The following is an entry in ClinVar:

NM_130384.3(ATRIP):c.206A>G (p.Gln69Arg)

Genes: ATRIP (ATR interacting protein; plus strand), ATRIP-TREX1 (ATRIP-TREX1 readthrough; plus strand). Cytogenetic location: 3p21.31.
Variant type: single nucleotide variant.
Coding change: c.206A>G on transcript NM_130384.3 (MANE Select); coding-DNA position 206, A replaced by G.
Protein change: p.Gln69Arg; replaces glutamine 69 with arginine.
Molecular consequence: missense variant. On other transcripts: non-coding transcript variant (1), intron variant (1).
Genome position (GRCh38, 1-based): chr3:48,447,051, A>G. VCF-style: chr3-48447051-A-G. GRCh37 (hg19) VCF-style: chr3-48488455-A-G.
Other names: c.206A>G, p.Gln69Arg (NM_032166.4); c.-218+252A>G (NM_001271022.2); short protein forms Q69R.
Identifiers: ClinVar variation 5032484 (VCV005032484.1).
Genomic context (GRCh38, chr3:48,447,051, plus strand): 5'-TCGGCGCGCATGGGGACTTCACTGCCGACGACCTGGAGGAGCTTGACACCCTCGCGTCAC[A>G]GGCCCTGAGCCAATGTCCGGCCGCGGCTCGGGACGTGTCCAGTGAGTGCTCCTCGCGGCC-3'
Protein context (NP_569055.1, residues 59-79): DLEELDTLAS[Gln69Arg]ALSQCPAAAR

ClinVar aggregate classification (germline): Uncertain significance (1 of 4 stars; one submission).

gnomAD v4.1: 3 of 1,568,012 alleles (0.00019%); highest among the groups gnomAD compares: Non-Finnish European, 0.00026%; no homozygotes.

Submission:

Ambry Genetics
Classification: Uncertain significance. Last evaluated: 2026-09-05. Review status: criteria provided, single submitter. Criteria: Ambry Variant Classification Scheme 2023. Collection method: clinical testing. Allele origin: germline.
Comment: The p.Q69R variant (also known as c.206A>G), located in coding exon 1 of the ATRIP gene, results from an A to G substitution at nucleotide position 206. The glutamine at codon 69 is replaced by arginine, an amino acid with highly similar properties. This amino acid position is conserved. In addition, the in silico prediction for this alteration is inconclusive. Based on the available evidence, the clinical significance of this variant remains unclear.